The following is an entry in ClinVar:

NC_000005.10:g.(?_138781925)_(138934089_?)dup

Genes: CTNNA1 (catenin alpha 1; plus strand), LRRTM2 (leucine rich repeat transmembrane neuronal 2; minus strand). Cytogenetic location: 5q31.2.
Variant type: Duplication.
Identifiers: ClinVar variation 830690 (VCV000830690.1).

ClinVar aggregate classification (germline): Uncertain significance (1 of 4 stars; one submission).

Submission:

Labcorp Genetics (formerly Invitae), Labcorp
Classification: Uncertain significance. Last evaluated: 2019-09-23. Review status: criteria provided, single submitter. Criteria: Invitae Variant Classification Sherloc (09022015). Collection method: clinical testing. Allele origin: germline.
Comment: This variant results in a copy number gain of the genomic region encompassing the full coding sequence of the CTNNA1 gene. The boundaries of this event are unknown as they extend beyond the assayed region for this gene and therefore may encompass additional genes. As the precise location of this event is unknown, it may be in tandem or it may be located elsewhere in the genome. This variant has not been reported in the literature in individuals with CTNNA1-related disease. Experimental studies are not available for this variant, and the functional significance of a copy number gain of this gene is currently unknown. In summary, the available evidence is currently insufficient to determine the role of this variant in disease. Therefore, it has been classified as a Variant of Uncertain Significance.